The following is an entry in ClinVar:

NM_001273.5(CHD4):c.1832G>A (p.Arg611His)

Gene: CHD4 (chromodomain helicase DNA binding protein 4; minus strand). Cytogenetic location: 12p13.31.
Variant type: single nucleotide variant.
Coding change: c.1832G>A on transcript NM_001273.5 (MANE Select); coding-DNA position 1832, G replaced by A.
Protein change: p.Arg611His; replaces arginine 611 with histidine.
Molecular consequence: missense variant.
Genome position (GRCh38, 1-based): chr12:6,597,954, C>T on the plus strand (G>A on the coding strand, the complement: CHD4 is on the minus strand). VCF-style: chr12-6597954-C-T. GRCh37 (hg19) VCF-style: chr12-6707120-C-T.
Other names: c.1832G>A (NM_001273.3, NM_001273.2); c.1811G>A, p.Arg604His (NM_001297553.2); c.1793G>A, p.Arg598His (NM_001363606.2); short protein forms R604H, R611H, R598H.
Identifiers: ClinVar variation 2190870 (VCV002190870.6), dbSNP rs751788491, ClinGen allele CA6412149.

ClinVar aggregate classification (germline): Uncertain significance. Review status: criteria provided, multiple submitters, no conflicts (2 of 4 stars). 3 submissions from 3 submitters: Uncertain significance (3). Last evaluated 2026-06-04.

Conditions:
Inborn genetic diseases. Identifiers: MedGen C0950123, MeSH D030342.
CHD4-related disorder. Also called: CHD4-related condition.

Allele frequency attached by ClinVar (database versions not stated): gnomAD exomes below 0.00001; ExAC 0.00001; gnomAD 0.00005; TOPMed 0.00020.
gnomAD v4.1: 19 of 1,614,062 alleles (0.0012%); highest among the groups gnomAD compares: Admixed American, 0.018%; no homozygotes.

Submissions (3):

PreventionGenetics, part of Exact Sciences
Classification: Uncertain significance for CHD4-related condition. Last evaluated: 2026-06-04. Review status: criteria provided, single submitter. Criteria: ACMG Guidelines, 2015. Collection method: clinical testing. Allele origin: germline.
Comment: The CHD4 c.1832G>A variant is predicted to result in the amino acid substitution p.Arg611His. To our knowledge, this variant has not been reported in the literature. This variant is reported in 0.00088% of alleles in individuals of European (Non-Finnish) descent in gnomAD. At this time, the clinical significance of this variant is uncertain due to the absence of conclusive functional and genetic evidence.

Labcorp Genetics (formerly Invitae), Labcorp
Classification: Uncertain significance. Last evaluated: 2023-12-19. Review status: criteria provided, single submitter. Criteria: Invitae Variant Classification Sherloc (09022015). Collection method: clinical testing. Allele origin: germline.
Comment: This sequence change replaces arginine, which is basic and polar, with histidine, which is basic and polar, at codon 611 of the CHD4 protein (p.Arg611His). This variant is present in population databases (rs751788491, gnomAD 0.002%). This variant has not been reported in the literature in individuals affected with CHD4-related conditions. ClinVar contains an entry for this variant (Variation ID: 2190870). Advanced modeling of protein sequence and biophysical properties (such as structural, functional, and spatial information, amino acid conservation, physicochemical variation, residue mobility, and thermodynamic stability) performed at Invitae indicates that this missense variant is not expected to disrupt CHD4 protein function with a negative predictive value of 80%. In summary, the available evidence is currently insufficient to determine the role of this variant in disease. Therefore, it has been classified as a Variant of Uncertain Significance.

Ambry Genetics
Classification: Uncertain significance for Inborn genetic diseases. Last evaluated: 2021-12-10. Review status: criteria provided, single submitter. Criteria: Ambry Variant Classification Scheme 2023. Collection method: clinical testing. Allele origin: germline.
Comment: The c.1832G>A (p.R611H) alteration is located in exon 12 (coding exon 11) of the CHD4 gene. This alteration results from a G to A substitution at nucleotide position 1832, causing the arginine (R) at amino acid position 611 to be replaced by a histidine (H). Based on data from gnomAD, the A allele has an overall frequency of <0.01% (2/251468) total alleles studied. This amino acid position is not well conserved in available vertebrate species. This alteration is predicted to be tolerated by in silico analysis. Based on insufficient or conflicting evidence, the clinical significance of this alteration remains unclear.